The following is an entry in ClinVar:

NM_000562.3(C8A):c.1528C>T (p.Leu510Phe)

Gene: C8A (complement C8 alpha chain; plus strand). Cytogenetic location: 1p32.2.
Variant type: single nucleotide variant.
Coding change: c.1528C>T on transcript NM_000562.3 (MANE Select); coding-DNA position 1528, C replaced by T.
Protein change: p.Leu510Phe; replaces leucine 510 with phenylalanine.
Molecular consequence: missense variant.
Genome position (GRCh38, 1-based): chr1:56,912,550, C>T. VCF-style: chr1-56912550-C-T. GRCh37 (hg19) VCF-style: chr1-57378223-C-T.
Other names: c.1528C>T (NM_000562.2); short protein forms L510F.
Identifiers: ClinVar variation 1053353 (VCV001053353.8), dbSNP rs200018561, ClinGen allele CA875419.

ClinVar aggregate classification (germline): Uncertain significance. Review status: criteria provided, multiple submitters, no conflicts (2 of 4 stars). 4 submissions from 4 submitters: Uncertain significance (4). Last evaluated 2025-07-15.

Allele frequency attached by ClinVar (database versions not stated): ExAC 0.00007; ESP Exome Variant Server 0.00008; gnomAD exomes 0.00009 and 0.00042; TOPMed 0.00017; gnomAD 0.00019 and 0.00021.
gnomAD v4.1: 637 of 1,614,078 alleles (0.039%); highest among the groups gnomAD compares: Non-Finnish European, 0.052%; no homozygotes.

Submissions (4):

Ambry Genetics
Classification: Uncertain significance. Last evaluated: 2025-07-15. Review status: criteria provided, single submitter. Criteria: Ambry Variant Classification Scheme 2023. Collection method: clinical testing. Allele origin: germline.

Blueprint Genetics
Classification: Uncertain significance. Last evaluated: 2024-10-04. Review status: criteria provided, single submitter. Criteria: ACMG Guidelines, 2015. Collection method: clinical testing. Allele origin: germline.

GeneDx
Classification: Uncertain significance. Last evaluated: 2024-02-26. Review status: criteria provided, single submitter. Criteria: GeneDx Variant Classification Process June 2021. Collection method: clinical testing. Allele origin: germline. Affected: yes.
Comment: In silico analysis supports that this missense variant has a deleterious effect on protein structure/function; Has not been previously published as pathogenic or benign to our knowledge

Labcorp Genetics (formerly Invitae), Labcorp
Classification: Uncertain significance. Last evaluated: 2022-08-01. Review status: criteria provided, single submitter. Criteria: Invitae Variant Classification Sherloc (09022015). Collection method: clinical testing. Allele origin: germline.
Comment: This sequence change replaces leucine, which is neutral and non-polar, with phenylalanine, which is neutral and non-polar, at codon 510 of the C8A protein (p.Leu510Phe). This variant is present in population databases (rs200018561, gnomAD 0.02%). This variant has not been reported in the literature in individuals affected with C8A-related conditions. ClinVar contains an entry for this variant (Variation ID: 1053353). Algorithms developed to predict the effect of missense changes on protein structure and function are either unavailable or do not agree on the potential impact of this missense change (SIFT: "Deleterious"; PolyPhen-2: "Possibly Damaging"; Align-GVGD: "Class C15"). In summary, the available evidence is currently insufficient to determine the role of this variant in disease. Therefore, it has been classified as a Variant of Uncertain Significance.